The following is an entry in ClinVar:

NM_000368.5(TSC1):c.2248_2249dup (p.Trp750fs)

Gene: TSC1 (TSC complex subunit 1; minus strand). Cytogenetic location: 9q34.13.
Variant type: Microsatellite.
Coding change: c.2248_2249dup on transcript NM_000368.5 (MANE Select); coding-DNA positions 2248 to 2249, 2 bases duplicated (TG; older notation c.2248_2249dupTG).
Protein change: p.Trp750fs; shifts the reading frame from tryptophan 750.
Molecular consequence: frameshift variant.
Genome position (GRCh38, 1-based): chr9:132,902,747-132,902,748, CA duplicated on the plus strand (TG on the coding strand, the reverse complement: TSC1 is on the minus strand); duplicating any 2 consecutive bases within chr9:132,902,747-132,902,750 gives the same sequence; the c. name uses the placement nearest the transcript's 3' end. VCF-style (leftmost placement, unchanged base first): chr9-132902746-C-CCA. GRCh37 (hg19) VCF-style: chr9-135778133-C-CCA.
Other names: c.2245_2246dup, p.Trp749fs (NM_001162426.2); c.2095_2096dup, p.Trp699fs (NM_001162427.2); c.1885_1886dup, p.Trp629fs (NM_001362177.2); short protein forms W629fs, W750fs, W699fs, W749fs.
Identifiers: ClinVar variation 958947 (VCV000958947.7), dbSNP rs1845453970, ClinGen allele CA1882409479.

ClinVar aggregate classification (germline): Pathogenic (1 of 4 stars; one submission).

Conditions:
Tuberous sclerosis 1 (TSC1). Identifiers: Orphanet 805, MedGen C1854465, MONDO:0008612, OMIM 191100.

Submission:

Labcorp Genetics (formerly Invitae), Labcorp
Classification: Pathogenic for Tuberous sclerosis 1. Last evaluated: 2019-08-08. Review status: criteria provided, single submitter. Criteria: Invitae Variant Classification Sherloc (09022015). Collection method: clinical testing. Allele origin: germline.
Comment: This sequence change creates a premature translational stop signal (p.Trp750Cysfs*24) in the TSC1 gene. It is expected to result in an absent or disrupted protein product. This variant is not present in population databases (ExAC no frequency). This variant has not been reported in the literature in individuals with TSC1-related conditions. Loss-of-function variants in TSC1 are known to be pathogenic (PMID: 10227394, 17304050). For these reasons, this variant has been classified as Pathogenic.

Literature cited by the submitters: PubMed 10227394; PubMed 17304050.